The following is an entry in ClinVar:

ClinVar aggregate classification (germline): Uncertain significance (1 of 4 stars; one submission).

Conditions:
Cardiovascular phenotype. Identifiers: MedGen CN230736.

Submission:

Ambry Genetics
Classification: Uncertain significance for Cardiovascular phenotype. Last evaluated: 2022-06-22. Review status: criteria provided, single submitter. Criteria: Ambry Variant Classification Scheme 2023. Collection method: clinical testing. Allele origin: germline.
Comment: The p.P981A variant (also known as c.2941C>G), located in coding exon 24 of the RASA1 gene, results from a C to G substitution at nucleotide position 2941. The proline at codon 981 is replaced by alanine, an amino acid with highly similar properties. This amino acid position is conserved. In addition, this alteration is predicted to be tolerated by in silico analysis. Since supporting evidence is limited at this time, the clinical significance of this alteration remains unclear.

NM_002890.3(RASA1):c.2941C>G (p.Pro981Ala)

Genes: CCNH (cyclin H; minus strand), RASA1 (RAS p21 protein activator 1; plus strand). Cytogenetic location: 5q14.3.
Variant type: single nucleotide variant.
Coding change: c.2941C>G on transcript NM_002890.3 (MANE Select); coding-DNA position 2941, C replaced by G.
Protein change: p.Pro981Ala; replaces proline 981 with alanine.
Molecular consequence: missense variant. On other transcripts: intron variant (1).
Genome position (GRCh38, 1-based): chr5:87,389,408, C>G. VCF-style: chr5-87389408-C-G. GRCh37 (hg19) VCF-style: chr5-86685225-C-G.
Other names: c.2410C>G, p.Pro804Ala (NM_022650.3); c.933+5636G>C (NM_001364075.2); short protein forms P804A, P981A.
Identifiers: ClinVar variation 1797924 (VCV001797924.2), dbSNP rs2531395888, ClinGen allele CA360387971.